The following is an entry in ClinVar:

NM_013247.4(HTRA2):c.-146G>A

Gene: HTRA2 (HtrA serine peptidase 2; plus strand). Cytogenetic location: 2p13.1.
Variant type: single nucleotide variant.
Coding change: c.-146G>A on transcript NM_013247.4; 146 bases upstream of the start codon, G replaced by A.
Molecular consequence: 5 prime UTR variant (on NM_001321727.1). On other transcripts: non-coding transcript variant (4).
Genome position (GRCh38, 1-based): chr2:74,529,861, G>A. VCF-style: chr2-74529861-G-A. GRCh37 (hg19) VCF-style: chr2-74756988-G-A.
Other names: c.-146G>A (NM_001321727.1, NM_001321728.1, NM_145074.2).
Identifiers: ClinVar variation 337124 (VCV000337124.7), dbSNP rs569404179, ClinGen allele CA10614424.

ClinVar aggregate classification (germline): Benign (1 of 4 stars; one submission).

Conditions:
Parkinson disease 13, autosomal dominant, susceptibility to. Identifiers: Orphanet 2828, MedGen C1853202, MONDO:0012466, OMIM 610297.

Allele frequency attached by ClinVar (database versions not stated): TOPMed 0.00003; gnomAD 0.00028 and 0.00001; gnomAD exomes 0.00029; 1000 Genomes Project 0.00180; 1000 Genomes Project 30x 0.00203.

Submission:

Illumina Laboratory Services, Illumina
Classification: Benign for Parkinson disease 13, autosomal dominant, susceptibility to. Last evaluated: 2018-01-13. Review status: criteria provided, single submitter. Criteria: ICSL Variant Classification Criteria 13 December 2019. Collection method: clinical testing. Allele origin: germline.
Comment: This variant was observed in the ICSL laboratory as part of a predisposition screen in an ostensibly healthy population. It had not been previously curated by ICSL or reported in the Human Gene Mutation Database (HGMD: prior to June 1st, 2018), and was therefore a candidate for classification through an automated scoring system. Utilizing variant allele frequency, disease prevalence and penetrance estimates, and inheritance mode, an automated score was calculated to assess if this variant is too frequent to cause the disease. Based on the score and internal cut-off values, a variant classified as benign is not then subjected to further curation. The score for this variant resulted in a classification of benign for this disease.